The following is an entry in ClinVar:

ClinVar aggregate classification (germline): Uncertain significance. Review status: criteria provided, multiple submitters, no conflicts (2 of 4 stars). 4 submissions from 4 submitters: Uncertain significance (4). Last evaluated 2026-08-24.

Conditions:
Pontocerebellar hypoplasia type 2D (PCH2D). Also called: Progressive cerebello-cerebral atrophy. Identifiers: Orphanet 247198, Orphanet 2524, MedGen C3151140, MONDO:0013438, OMIM 613811.
Inborn genetic diseases. Identifiers: MedGen C0950123, MeSH D030342.

Allele frequency attached by ClinVar (database versions not stated): ESP Exome Variant Server 0.00100; 1000 Genomes Project 30x 0.00031; gnomAD exomes 0.00050 and 0.00071; gnomAD 0.00046; 1000 Genomes Project 0.00040; ExAC 0.00055; TOPMed 0.00056.
gnomAD v4.1: 1,098 of 1,613,682 alleles (0.068%); highest among the groups gnomAD compares: Non-Finnish European, 0.086%; no homozygotes.

Submissions (4):

GeneDx
Classification: Uncertain significance. Last evaluated: 2026-08-24. Review status: criteria provided, single submitter. Criteria: GeneDx Variant Classification Process June 2021. Collection method: clinical testing. Allele origin: germline.
Comment: In silico analysis suggests that this missense variant does not alter protein structure/function; Has not been previously published as pathogenic or benign to our knowledge

Ambry Genetics
Classification: Uncertain significance for Inborn genetic diseases. Last evaluated: 2024-02-05. Review status: criteria provided, single submitter. Criteria: Ambry Variant Classification Scheme 2023. Collection method: clinical testing. Allele origin: germline.

Labcorp Genetics (formerly Invitae), Labcorp
Classification: Uncertain significance. Last evaluated: 2022-08-09. Review status: criteria provided, single submitter. Criteria: Invitae Variant Classification Sherloc (09022015). Collection method: clinical testing. Allele origin: germline.
Comment: This sequence change replaces threonine, which is neutral and polar, with alanine, which is neutral and non-polar, at codon 426 of the SEPSECS protein (p.Thr426Ala). This variant is present in population databases (rs142133435, gnomAD 0.09%), and has an allele count higher than expected for a pathogenic variant. This variant has not been reported in the literature in individuals affected with SEPSECS-related conditions. ClinVar contains an entry for this variant (Variation ID: 348552). Algorithms developed to predict the effect of missense changes on protein structure and function output the following: SIFT: "Tolerated"; PolyPhen-2: "Benign"; Align-GVGD: "Class C0". The alanine amino acid residue is found in multiple mammalian species, which suggests that this missense change does not adversely affect protein function. In summary, the available evidence is currently insufficient to determine the role of this variant in disease. Therefore, it has been classified as a Variant of Uncertain Significance.

Illumina Laboratory Services, Illumina
Classification: Uncertain significance for Pontocerebellar hypoplasia type 2D. Last evaluated: 2018-01-12. Review status: criteria provided, single submitter. Criteria: ICSL Variant Classification Criteria 13 December 2019. Collection method: clinical testing. Allele origin: germline.

NM_016955.4(SEPSECS):c.1276A>G (p.Thr426Ala)

Gene: SEPSECS (Sep (O-phosphoserine) tRNA:Sec (selenocysteine) tRNA synthase; minus strand). Cytogenetic location: 4p15.2.
Variant type: single nucleotide variant.
Coding change: c.1276A>G on transcript NM_016955.4 (MANE Select); coding-DNA position 1276, A replaced by G.
Protein change: p.Thr426Ala; replaces threonine 426 with alanine.
Molecular consequence: missense variant.
Genome position (GRCh38, 1-based): chr4:25,124,161, T>C on the plus strand (A>G on the coding strand, the complement: SEPSECS is on the minus strand). VCF-style: chr4-25124161-T-C. GRCh37 (hg19) VCF-style: chr4-25125783-T-C.
Other names: short protein forms T426A.
Identifiers: ClinVar variation 348552 (VCV000348552.11), dbSNP rs142133435, ClinGen allele CA2877175.